The following is an entry in ClinVar:

NM_144670.6(A2ML1):c.1084A>G (p.Arg362Gly)

Gene: A2ML1 (alpha-2-macroglobulin like 1; plus strand). Cytogenetic location: 12p13.31.
Variant type: single nucleotide variant.
Coding change: c.1084A>G on transcript NM_144670.6 (MANE Select); coding-DNA position 1084, A replaced by G.
Protein change: p.Arg362Gly; replaces arginine 362 with glycine.
Molecular consequence: missense variant.
Genome position (GRCh38, 1-based): chr12:8,841,372, A>G. VCF-style: chr12-8841372-A-G. GRCh37 (hg19) VCF-style: chr12-8993968-A-G.
Other names: short protein forms R362G.
Identifiers: ClinVar variation 3694304 (VCV003694304.2).

ClinVar aggregate classification (germline): Uncertain significance (1 of 4 stars; one submission).

Submission:

Labcorp Genetics (formerly Invitae), Labcorp
Classification: Uncertain significance. Last evaluated: 2025-01-07. Review status: criteria provided, single submitter. Criteria: Invitae Variant Classification Sherloc (09022015). Collection method: clinical testing. Allele origin: germline.
Comment: This sequence change replaces arginine, which is basic and polar, with glycine, which is neutral and non-polar, at codon 362 of the A2ML1 protein (p.Arg362Gly). This variant is not present in population databases (gnomAD no frequency). This variant has not been reported in the literature in individuals affected with A2ML1-related conditions. An algorithm developed to predict the effect of missense changes on protein structure and function (PolyPhen-2) suggests that this variant is likely to be tolerated. In summary, the available evidence is currently insufficient to determine the role of this variant in disease. Therefore, it has been classified as a Variant of Uncertain Significance.